The following is an entry in ClinVar:

NM_033409.4(SLC52A3):c.241G>T (p.Val81Leu)

Gene: SLC52A3 (solute carrier family 52 member 3; minus strand). Cytogenetic location: 20p13.
Variant type: single nucleotide variant.
Coding change: c.241G>T on transcript NM_033409.4 (MANE Select); coding-DNA position 241, G replaced by T.
Protein change: p.Val81Leu; replaces valine 81 with leucine.
Molecular consequence: missense variant.
Genome position (GRCh38, 1-based): chr20:765,534, C>A on the plus strand (G>T on the coding strand, the complement: SLC52A3 is on the minus strand). VCF-style: chr20-765534-C-A. GRCh37 (hg19) VCF-style: chr20-746178-C-A.
Other names: c.241G>T, p.Val81Leu (NM_001370085.1, NM_001370086.1); short protein forms V81L.
Identifiers: ClinVar variation 1791005 (VCV001791005.2), dbSNP rs546240059, ClinGen allele CA407964259.

ClinVar aggregate classification (germline): Uncertain significance (1 of 4 stars; one submission).

Conditions:
Inborn genetic diseases. Identifiers: MedGen C0950123, MeSH D030342.

gnomAD v4.1: 14 of 1,575,926 alleles (0.00089%); highest among the groups gnomAD compares: Non-Finnish European, 0.0012%; no homozygotes.

Submission:

Ambry Genetics
Classification: Uncertain significance for Inborn genetic diseases. Last evaluated: 2022-07-17. Review status: criteria provided, single submitter. Criteria: Ambry Variant Classification Scheme 2023. Collection method: clinical testing. Allele origin: germline.
Comment: The p.V81L variant (also known as c.241G>T), located in coding exon 1 of the SLC52A3 gene, results from a G to T substitution at nucleotide position 241. The valine at codon 81 is replaced by leucine, an amino acid with highly similar properties. This amino acid position is conserved. In addition, this alteration is predicted to be tolerated by in silico analysis. Since supporting evidence is limited at this time, the clinical significance of this alteration remains unclear.